The following is an entry in ClinVar:

ClinVar aggregate classification (germline): Uncertain significance (1 of 4 stars; one submission).

Conditions:
Lethal congenital glycogen storage disease of heart. Also called: GLYCOGEN STORAGE DISEASE OF HEART; PHOSPHORYLASE KINASE DEFICIENCY OF HEART. Identifiers: Orphanet 439854, MedGen C1849813, MONDO:0009867, OMIM 261740.

Allele frequency attached by ClinVar (database versions not stated): TOPMed below 0.00001; ExAC 0.00001; ESP Exome Variant Server 0.00008.

Submission:

Labcorp Genetics (formerly Invitae), Labcorp
Classification: Uncertain significance for Lethal congenital glycogen storage disease of heart. Last evaluated: 2025-07-29. Review status: criteria provided, single submitter. Criteria: Invitae Variant Classification Sherloc (09022015). Collection method: clinical testing. Allele origin: germline.
Comment: This sequence change replaces glutamine, which is neutral and polar, with arginine, which is basic and polar, at codon 82 of the PRKAG2 protein (p.Gln82Arg). This variant is present in population databases (rs368871685, gnomAD 0.0009%). This variant has not been reported in the literature in individuals affected with PRKAG2-related conditions. ClinVar contains an entry for this variant (Variation ID: 962026). Invitae Evidence Modeling of protein sequence and biophysical properties (such as structural, functional, and spatial information, amino acid conservation, physicochemical variation, residue mobility, and thermodynamic stability) indicates that this missense variant is not expected to disrupt PRKAG2 protein function with a negative predictive value of 95%. In summary, the available evidence is currently insufficient to determine the role of this variant in disease. Therefore, it has been classified as a Variant of Uncertain Significance.

NM_016203.4(PRKAG2):c.245A>G (p.Gln82Arg)

Gene: PRKAG2 (protein kinase AMP-activated non-catalytic subunit gamma 2; minus strand). Cytogenetic location: 7q36.1.
Variant type: single nucleotide variant.
Coding change: c.245A>G on transcript NM_016203.4 (MANE Select); coding-DNA position 245, A replaced by G.
Protein change: p.Gln82Arg; replaces glutamine 82 with arginine.
Molecular consequence: missense variant.
Genome position (GRCh38, 1-based): chr7:151,781,373, T>C on the plus strand (A>G on the coding strand, the complement: PRKAG2 is on the minus strand). VCF-style: chr7-151781373-T-C. GRCh37 (hg19) VCF-style: chr7-151478459-T-C.
Other names: c.113A>G, p.Gln38Arg (NM_001040633.2); short protein forms Q38R, Q82R.
Identifiers: ClinVar variation 962026 (VCV000962026.9), dbSNP rs368871685, ClinGen allele CA056562.